The following is an entry in ClinVar:

NM_020832.3(ZNF687):c.1130C>T (p.Thr377Ile)

Gene: ZNF687 (zinc finger protein 687; plus strand). Cytogenetic location: 1q21.3.
Variant type: single nucleotide variant.
Coding change: c.1130C>T on transcript NM_020832.3 (MANE Select); coding-DNA position 1130, C replaced by T.
Protein change: p.Thr377Ile; replaces threonine 377 with isoleucine.
Molecular consequence: missense variant.
Genome position (GRCh38, 1-based): chr1:151,287,421, C>T. VCF-style: chr1-151287421-C-T. GRCh37 (hg19) VCF-style: chr1-151259897-C-T.
Other names: c.1130C>T, p.Thr377Ile (NM_001304763.2, NM_001304764.2); short protein forms T377I.
Identifiers: ClinVar variation 4611522 (VCV004611522.2).
Genomic context (GRCh38, chr1:151,287,421, plus strand): 5'-CCCCCTTGGCTGAGGGGGCCTTCTTGGCTGAGGCTAGCCTCTTGAAGCTGTCCCCTGCAA[C>T]ACCTACTTCTGAGGGTCCAAAGGTGGTGAGCGTACAGTTGGGTGATGGTACAAGGCTGAA-3'
Protein context (NP_065883.1, residues 367-387): EASLLKLSPA[Thr377Ile]PTSEGPKVVS

ClinVar aggregate classification (germline): Uncertain significance. Review status: criteria provided, multiple submitters, no conflicts (2 of 4 stars). 2 submissions from 2 submitters: Uncertain significance (2). Last evaluated 2025-12-16.

gnomAD v4.1: 5 of 1,614,218 alleles (0.00031%); highest among the groups gnomAD compares: Admixed American, 0.0017%; no homozygotes.

Submissions (2):

Labcorp Genetics (formerly Invitae), Labcorp
Classification: Uncertain significance. Last evaluated: 2025-12-16. Review status: criteria provided, single submitter. Criteria: Invitae Variant Classification Sherloc (09022015). Collection method: clinical testing. Allele origin: germline.
Comment: This sequence change replaces threonine, which is neutral and polar, with isoleucine, which is neutral and non-polar, at codon 377 of the ZNF687 protein (p.Thr377Ile). This variant is present in population databases (no rsID available, gnomAD 0.003%). This variant has not been reported in the literature in individuals affected with ZNF687-related conditions. An algorithm developed to predict the effect of missense changes on protein structure and function (PolyPhen-2) suggests that this variant is likely to be tolerated. In summary, the available evidence is currently insufficient to determine the role of this variant in disease. Therefore, it has been classified as a Variant of Uncertain Significance.

Ambry Genetics
Classification: Uncertain significance. Last evaluated: 2025-12-11. Review status: criteria provided, single submitter. Criteria: Ambry Variant Classification Scheme 2023. Collection method: clinical testing. Allele origin: germline.